The following is an entry in ClinVar:

ClinVar aggregate classification (germline): Conflicting classifications of pathogenicity. Review status: criteria provided, conflicting classifications (1 of 4 stars). 3 submissions from 3 submitters: Uncertain significance (1); Likely benign (1). 1 of the submissions does not count toward it. Last evaluated 2025-03-11.

Conditions:
Inborn genetic diseases. Identifiers: MedGen C0950123, MeSH D030342.
ANKRD26-related disorder. Also called: ANKRD26-related condition.

Allele frequency attached by ClinVar (database versions not stated): gnomAD exomes below 0.00001; ExAC 0.00001.
gnomAD v4.1: 3 of 1,611,434 alleles (0.00019%); highest among the groups gnomAD compares: Admixed American, 0.0017%; no homozygotes.

Submissions (3):

Ambry Genetics
Classification: Likely benign for Inborn genetic diseases. Last evaluated: 2025-03-11. Review status: criteria provided, single submitter. Criteria: Ambry Variant Classification Scheme 2023. Collection method: clinical testing. Allele origin: germline.

Labcorp Genetics (formerly Invitae), Labcorp
Classification: Uncertain significance. Last evaluated: 2023-07-25. Review status: criteria provided, single submitter. Criteria: Invitae Variant Classification Sherloc (09022015). Collection method: clinical testing. Allele origin: germline.
Comment: In summary, the available evidence is currently insufficient to determine the role of this variant in disease. Therefore, it has been classified as a Variant of Uncertain Significance. Algorithms developed to predict the effect of missense changes on protein structure and function output the following: SIFT: "Not Available"; PolyPhen-2: "Benign"; Align-GVGD: "Not Available". The arginine amino acid residue is found in multiple mammalian species, which suggests that this missense change does not adversely affect protein function. This variant has not been reported in the literature in individuals affected with ANKRD26-related conditions. This variant is present in population databases (rs752323868, gnomAD 0.003%). This sequence change replaces lysine, which is basic and polar, with arginine, which is basic and polar, at codon 444 of the ANKRD26 protein (p.Lys444Arg).

PreventionGenetics, part of Exact Sciences
Classification: Uncertain significance for ANKRD26-related condition. Last evaluated: 2024-05-09. Review status: no assertion criteria provided. Collection method: clinical testing. Allele origin: germline. Not counted in ClinVar's aggregate classification.
Comment: The ANKRD26 c.1331A>G variant is predicted to result in the amino acid substitution p.Lys444Arg. To our knowledge, this variant has not been reported in the literature. This variant is reported in 0.0029% of alleles in individuals of Latino descent in gnomAD. At this time, the clinical significance of this variant is uncertain due to the absence of conclusive functional and genetic evidence.

NM_014915.3(ANKRD26):c.1331A>G (p.Lys444Arg)

Gene: ANKRD26 (ankyrin repeat domain 26; minus strand). Cytogenetic location: 10p12.1.
Variant type: single nucleotide variant.
Coding change: c.1331A>G on transcript NM_014915.3 (MANE Select); coding-DNA position 1331, A replaced by G.
Protein change: p.Lys444Arg; replaces lysine 444 with arginine.
Molecular consequence: missense variant.
Genome position (GRCh38, 1-based): chr10:27,064,020, T>C on the plus strand (A>G on the coding strand, the complement: ANKRD26 is on the minus strand). VCF-style: chr10-27064020-T-C. GRCh37 (hg19) VCF-style: chr10-27352949-T-C.
Other names: c.1331A>G, p.Lys444Arg (NM_001256053.2); short protein forms K444R.
Identifiers: ClinVar variation 2902710 (VCV002902710.6), dbSNP rs752323868, ClinGen allele CA5448592.